The following is an entry in ClinVar:

ClinVar aggregate classification (germline): Uncertain significance. Review status: criteria provided, multiple submitters, no conflicts (2 of 4 stars). 2 submissions from 2 submitters: Uncertain significance (2). Last evaluated 2023-05-18.

Conditions:
Myopathy, centronuclear, 5 (CNM5). Identifiers: Orphanet 169186, MedGen C4014814, MONDO:0014418, OMIM 615959.

Allele frequency attached by ClinVar (database versions not stated): gnomAD 0.00003; TOPMed 0.00004; gnomAD exomes 0.00007; ExAC 0.00011; 1000 Genomes Project 30x 0.00031.
gnomAD v4.1: 112 of 1,609,424 alleles (0.007%); highest among the groups gnomAD compares: Admixed American, 0.015%; no homozygotes.

Submissions (2):

Revvity Omics, Revvity
Classification: Uncertain significance for Myopathy, centronuclear, 5. Last evaluated: 2023-05-18. Review status: criteria provided, single submitter. Criteria: ACMG Guidelines, 2015. Collection method: clinical testing. Allele origin: germline.

Labcorp Genetics (formerly Invitae), Labcorp
Classification: Uncertain significance. Last evaluated: 2022-08-13. Review status: criteria provided, single submitter. Criteria: Invitae Variant Classification Sherloc (09022015). Collection method: clinical testing. Allele origin: germline.
Comment: This sequence change replaces arginine, which is basic and polar, with tryptophan, which is neutral and slightly polar, at codon 1903 of the SPEG protein (p.Arg1903Trp). This variant is present in population databases (rs762000831, gnomAD 0.03%). This variant has not been reported in the literature in individuals affected with SPEG-related conditions. Algorithms developed to predict the effect of missense changes on protein structure and function are either unavailable or do not agree on the potential impact of this missense change (SIFT: "Deleterious"; PolyPhen-2: "Probably Damaging"; Align-GVGD: "Class C0"). In summary, the available evidence is currently insufficient to determine the role of this variant in disease. Therefore, it has been classified as a Variant of Uncertain Significance.

NM_005876.5(SPEG):c.5707C>T (p.Arg1903Trp)

Genes: ASIC4-AS1 (ASIC4 antisense RNA 1; minus strand), SPEG (striated muscle enriched protein kinase; plus strand). Cytogenetic location: 2q35.
Variant type: single nucleotide variant.
Coding change: c.5707C>T on transcript NM_005876.5 (MANE Select); coding-DNA position 5707, C replaced by T.
Protein change: p.Arg1903Trp; replaces arginine 1903 with tryptophan.
Molecular consequence: missense variant.
Genome position (GRCh38, 1-based): chr2:219,483,170, C>T. VCF-style: chr2-219483170-C-T. GRCh37 (hg19) VCF-style: chr2-220347892-C-T.
Other names: short protein forms R1903W.
Identifiers: ClinVar variation 2150358 (VCV002150358.3), dbSNP rs762000831, ClinGen allele CA2126933.